The following is an entry in ClinVar:

NM_033305.3(VPS13A):c.3803G>A (p.Arg1268Gln)

Gene: VPS13A (vacuolar protein sorting 13 homolog A; plus strand). Cytogenetic location: 9q21.2.
Variant type: single nucleotide variant.
Coding change: c.3803G>A on transcript NM_033305.3 (MANE Select); coding-DNA position 3803, G replaced by A.
Protein change: p.Arg1268Gln; replaces arginine 1268 with glutamine.
Molecular consequence: missense variant.
Genome position (GRCh38, 1-based): chr9:77,295,837, G>A. VCF-style: chr9-77295837-G-A. GRCh37 (hg19) VCF-style: chr9-79910753-G-A.
Other names: c.3686G>A, p.Arg1229Gln (NM_001018037.2); c.3803G>A, p.Arg1268Gln (NM_001018038.3, NM_015186.4); c.3803G>A (NM_033305.2); short protein forms R1268Q, R1229Q.
Identifiers: ClinVar variation 2074592 (VCV002074592.2), dbSNP rs781120866, ClinGen allele CA5092334.

ClinVar aggregate classification (germline): Uncertain significance. Review status: criteria provided, multiple submitters, no conflicts (2 of 4 stars). 2 submissions from 2 submitters: Uncertain significance (2). Last evaluated 2025-05-19.

Allele frequency attached by ClinVar (database versions not stated): TOPMed 0.00009; ExAC 0.00013; gnomAD 0.00002; gnomAD exomes 0.00002.
gnomAD v4.1: 40 of 1,613,406 alleles (0.0025%); highest among the groups gnomAD compares: East Asian, 0.047%; no homozygotes.

Submissions (2):

GeneDx
Classification: Uncertain significance. Last evaluated: 2025-05-19. Review status: criteria provided, single submitter. Criteria: GeneDx Variant Classification Process June 2021. Collection method: clinical testing. Allele origin: germline. Affected: yes.
Comment: In silico analysis suggests that this missense variant does not alter protein structure/function; Has not been previously published as pathogenic or benign to our knowledge

Labcorp Genetics (formerly Invitae), Labcorp
Classification: Uncertain significance. Last evaluated: 2021-11-27. Review status: criteria provided, single submitter. Criteria: Invitae Variant Classification Sherloc (09022015). Collection method: clinical testing. Allele origin: germline.
Comment: This sequence change replaces arginine, which is basic and polar, with glutamine, which is neutral and polar, at codon 1268 of the VPS13A protein (p.Arg1268Gln). This variant is present in population databases (rs781120866, gnomAD 0.1%). This variant has not been reported in the literature in individuals affected with VPS13A-related conditions. Algorithms developed to predict the effect of missense changes on protein structure and function (SIFT, PolyPhen-2, Align-GVGD) all suggest that this variant is likely to be tolerated. In summary, the available evidence is currently insufficient to determine the role of this variant in disease. Therefore, it has been classified as a Variant of Uncertain Significance.